The following is an entry in ClinVar:

NM_198253.3(TERT):c.307_308delinsGG (p.Leu103Gly)

Gene: TERT (telomerase reverse transcriptase; minus strand). Cytogenetic location: 5p15.33.
Variant type: Indel.
Coding change: c.307_308delinsGG on transcript NM_198253.3 (MANE Select); coding-DNA positions 307 to 308, CT replaced by GG.
Protein change: p.Leu103Gly; replaces leucine 103 with glycine.
Molecular consequence: missense variant. On other transcripts: non-coding transcript variant (2).
Genome position (GRCh38, 1-based): chr5:1,294,578-1,294,579, AG replaced by CC on the plus strand (CT replaced by GG on the coding strand, the reverse complement: TERT is on the minus strand). VCF-style: chr5-1294578-AG-CC. GRCh37 (hg19) VCF-style: chr5-1294693-AG-CC.
Other names: p.Leu103Gly; c.307_308delinsGG, p.Leu103Gly (NM_001193376.3); c.307_308delCTinsGG (NM_198253.2); short protein forms L103G.
Identifiers: ClinVar variation 862152 (VCV000862152.35), dbSNP rs1751266537, ClinGen allele CA916081466.

ClinVar aggregate classification (germline): Uncertain significance. Review status: criteria provided, multiple submitters, no conflicts (2 of 4 stars). 4 submissions from 4 submitters: Uncertain significance (3). 1 of the submissions does not count toward it. Last evaluated 2023-03-14.

Conditions:
Pulmonary fibrosis and/or bone marrow failure, Telomere-related, 1. Also called: PULMONARY FIBROSIS AND/OR BONE MARROW FAILURE SYNDROME, TELOMERE-RELATED, 1. Identifiers: Orphanet 88, MedGen C3553617, MONDO:0013878, OMIM 614742.
Dyskeratosis congenita, autosomal dominant 2. Identifiers: MedGen C3151443, MONDO:0013521, OMIM 613989.
Idiopathic Pulmonary Fibrosis. Also called: Idiopathic fibrosing alveolitis, chronic form; idiopathic fibrosing alveolitis. Identifiers: Orphanet 2032, MedGen C1800706, MeSH D054990, MONDO:0800504.
Pulmonary fibrosis. Identifiers: MedGen C0034069, MONDO:0002771, HP:0002206.
Dyskeratosis congenita. Identifiers: Orphanet 1775, MedGen C0265965, MONDO:0015780.

Submissions (4):

Johns Hopkins Genomics, Johns Hopkins University
Classification: Uncertain significance for Pulmonary fibrosis and/or bone marrow failure, Telomere-related, 1. Last evaluated: 2023-03-14. Review status: criteria provided, single submitter. Criteria: ACMG Guidelines, 2015. Collection method: clinical testing. Allele origin: germline.
Comment: This TERT missense variant (rs1751266537) is absent from a large population dataset. It has been reported in ClinVar (Variation ID 862152) but has not been reported in the literature, to our knowledge. Two bioinformatic tools queried predict that this substitution would be damaging, and the leucine residue at this position is evolutionarily conserved across most of the species assessed. We consider the clinical significance of c.307_308delinsGG; p.Leu103Gly in TERT to be uncertain at this time.

Labcorp Genetics (formerly Invitae), Labcorp
Classification: Uncertain significance for Dyskeratosis congenita, autosomal dominant 2; Idiopathic Pulmonary Fibrosis. Last evaluated: 2020-10-28. Review status: criteria provided, single submitter. Criteria: Invitae Variant Classification Sherloc (09022015). Collection method: clinical testing. Allele origin: germline.
Comment: In summary, the available evidence is currently insufficient to determine the role of this variant in disease. Therefore, it has been classified as a Variant of Uncertain Significance. Algorithms developed to predict the effect of missense changes on protein structure and function are either unavailable or do not agree on the potential impact of this missense change (SIFT: "Deleterious"; PolyPhen-2: "Probably Damaging"; Align-GVGD: "Class C0"). This variant has not been reported in the literature in individuals with TERT-related conditions. This variant is not present in population databases (ExAC no frequency). This sequence change replaces leucine with glycine at codon 103 of the TERT protein (p.Leu103Gly). The leucine residue is moderately conserved and there is a moderate physicochemical difference between leucine and glycine.

Ambry Genetics
Classification: Uncertain significance for Dyskeratosis congenita. Last evaluated: 2018-07-13. Review status: criteria provided, single submitter. Criteria: Ambry Variant Classification Scheme 2023. Collection method: clinical testing. Allele origin: germline.
Comment: The c.307_308delCTinsGG variant, located in coding exon 2 of the TERT gene, results from an in-frame deletion of CT and insertion of GG at nucleotide positions 307 to 308. This results in the substitution of the leucine residue for a glycine residue at codon 103, an amino acid with dissimilar properties. This amino acid position is well conserved in available vertebrate species. Since supporting evidence is limited at this time, the clinical significance of this alteration remains unclear.

Garcia Pulmonary Genetics Research Laboratory, Columbia University Irving Medical Center
Classification: Likely risk allele for Pulmonary fibrosis. Last evaluated: 2022-06-09. Review status: no assertion criteria provided. Collection method: research. Allele origin: germline. Affected: yes. Not counted in ClinVar's aggregate classification.
Comment: Leukocyte telomere length (by qPCR) less than 10th percentile age-adjusted

Literature cited by the submitters: PubMed 25848748 (cited by Johns Hopkins Genomics, Johns Hopkins University).